The following is an entry in ClinVar:

ClinVar aggregate classification (germline): Uncertain significance (1 of 4 stars; one submission).

Conditions:
Autosomal dominant hypocalcemia 1 (HYPOC1). Also called: HYPOCALCEMIA, FAMILIAL. Identifiers: MedGen C3715128, MONDO:0011013, OMIM 601198.
Familial hypocalciuric hypercalcemia (FHH). Also called: Familial benign hypercalcemia. Identifiers: Orphanet 405, MedGen C1809471, MONDO:0018458.

Submission:

Labcorp Genetics (formerly Invitae), Labcorp
Classification: Uncertain significance for Familial hypocalciuric hypercalcemia; Autosomal dominant hypocalcemia 1. Last evaluated: 2023-09-01. Review status: criteria provided, single submitter. Criteria: Invitae Variant Classification Sherloc (09022015). Collection method: clinical testing. Allele origin: germline.
Comment: In summary, the available evidence is currently insufficient to determine the role of this variant in disease. Therefore, it has been classified as a Variant of Uncertain Significance. Experimental studies and prediction algorithms are not available or were not evaluated, and the functional significance of this variant is currently unknown. This variant has not been reported in the literature in individuals affected with CASR-related conditions. Information on the frequency of this variant in the gnomAD database is not available, as this variant may be reported differently in the database. This sequence change replaces alanine, which is neutral and non-polar, with serine, which is neutral and polar, at codon 683 of the CASR protein (p.Ala683Ser).

NM_000388.4(CASR):c.2046_2047delinsTT (p.Ala683Ser)

Gene: CASR (calcium sensing receptor; plus strand). Cytogenetic location: 3q21.1.
Variant type: Indel.
Coding change: c.2046_2047delinsTT on transcript NM_000388.4 (MANE Select); coding-DNA positions 2046 to 2047, GG replaced by TT.
Protein change: p.Ala683Ser; replaces alanine 683 with serine.
Molecular consequence: missense variant.
Genome position (GRCh38, 1-based): chr3:122,284,000-122,284,001, GG replaced by TT. VCF-style: chr3-122284000-GG-TT. GRCh37 (hg19) VCF-style: chr3-122002847-GG-TT.
Other names: c.2076_2077delinsTT, p.Ala693Ser (NM_001178065.2); short protein forms A693S, A683S.
Identifiers: ClinVar variation 2950386 (VCV002950386.3), dbSNP rs2473277646, ClinGen allele CA2740094571.